The following is an entry in ClinVar:

ClinVar aggregate classification (germline): Uncertain significance (1 of 4 stars; one submission).

Allele frequency attached by ClinVar (database versions not stated): ExAC 0.00001.
gnomAD v4.1: 2 of 1,613,794 alleles (0.00012%); highest among the groups gnomAD compares: Admixed American, 0.0017%; no homozygotes.

Submission:

GeneDx
Classification: Uncertain significance. Last evaluated: 2019-05-30. Review status: criteria provided, single submitter. Criteria: GeneDx Variant Classification Process June 2021. Collection method: clinical testing. Allele origin: germline. Affected: yes.
Comment: Not observed at a significant frequency in large population cohorts (Lek et al., 2016); In silico analysis, which includes protein predictors and evolutionary conservation, supports a deleterious effect; Has not been previously published as pathogenic or benign to our knowledge

NM_206937.2(LIG4):c.1025T>C (p.Phe342Ser)

Gene: LIG4 (DNA ligase 4; minus strand). Cytogenetic location: 13q33.3.
Variant type: single nucleotide variant.
Coding change: c.1025T>C on transcript NM_206937.2 (MANE Select); coding-DNA position 1025, T replaced by C.
Protein change: p.Phe342Ser; replaces phenylalanine 342 with serine.
Molecular consequence: missense variant.
Genome position (GRCh38, 1-based): chr13:108,210,244, A>G on the plus strand (T>C on the coding strand, the complement: LIG4 is on the minus strand). VCF-style: chr13-108210244-A-G. GRCh37 (hg19) VCF-style: chr13-108862592-A-G.
Other names: c.1025T>C, p.Phe342Ser (NM_001098268.2, NM_001352598.2, NM_001352599.2 and 6 more transcripts); c.824T>C, p.Phe275Ser (NM_001330595.2); c.1061T>C, p.Phe354Ser (NM_001352604.2); short protein forms F275S, F342S, F354S.
Identifiers: ClinVar variation 1306291 (VCV001306291.2), dbSNP rs773271264, ClinGen allele CA7043761.